The following is an entry in ClinVar:

NM_002618.4(PEX13):c.1059A>G (p.Gln353=)

Gene: PEX13 (peroxisomal biogenesis factor 13; plus strand). Cytogenetic location: 2p15.
Variant type: single nucleotide variant.
Coding change: c.1059A>G on transcript NM_002618.4 (MANE Select); coding-DNA position 1059, A replaced by G.
Protein change: p.Gln353=; no amino-acid change (glutamine 353 retained).
Molecular consequence: synonymous variant.
Genome position (GRCh38, 1-based): chr2:61,048,617, A>G. VCF-style: chr2-61048617-A-G. GRCh37 (hg19) VCF-style: chr2-61275752-A-G.
Other names: c.1059A>G (NM_002618.3).
Identifiers: ClinVar variation 1637799 (VCV001637799.11), dbSNP rs892266553, ClinGen allele CA48356040.

ClinVar aggregate classification (germline): Likely benign. Review status: criteria provided, multiple submitters, no conflicts (2 of 4 stars). 3 submissions from 3 submitters: Likely benign (2). 1 of the submissions does not count toward it. Last evaluated 2024-12-15.

Conditions:
Peroxisome biogenesis disorder 11A (Zellweger). Also called: Peroxisome biogenesis disorder 11A. Identifiers: Orphanet 912, MedGen C3554000, MONDO:0013949, OMIM 614883.
PEX13-related disorder. Also called: PEX13-related disorders; PEX13-related condition.

Allele frequency attached by ClinVar (database versions not stated): gnomAD exomes below 0.00001; gnomAD 0.00001; TOPMed 0.00001.
gnomAD v4.1: 8 of 1,614,032 alleles (0.0005%); highest among the groups gnomAD compares: African/African-American, 0.0013%; no homozygotes.

Submissions (3):

Labcorp Genetics (formerly Invitae), Labcorp
Classification: Likely benign for Peroxisome biogenesis disorder 11A (Zellweger). Last evaluated: 2024-12-15. Review status: criteria provided, single submitter. Criteria: Invitae Variant Classification Sherloc (09022015). Collection method: clinical testing. Allele origin: germline.

Blueprint Genetics
Classification: Likely benign. Last evaluated: 2018-11-27. Review status: criteria provided, single submitter. Criteria: ACMG Guidelines, 2015. Collection method: clinical testing. Allele origin: germline.

PreventionGenetics, part of Exact Sciences
Classification: Likely benign for PEX13-related condition. Last evaluated: 2019-08-27. Review status: no assertion criteria provided. Collection method: clinical testing. Allele origin: germline. Not counted in ClinVar's aggregate classification.
Comment: This variant is classified as likely benign based on ACMG/AMP sequence variant interpretation guidelines (Richards et al. 2015 PMID: 25741868, with internal and published modifications).